The following is an entry in ClinVar:

ClinVar aggregate classification (germline): Uncertain significance (1 of 4 stars; one submission).

Conditions:
Pyogenic arthritis-pyoderma gangrenosum-acne syndrome (PAPA). Also called: FAMILIAL RECURRENT ARTHRITIS; PAPA SYNDROME. Identifiers: Orphanet 69126, MedGen C1858361, MONDO:0011462, OMIM 604416.

Allele frequency attached by ClinVar (database versions not stated): gnomAD exomes below 0.00001; TOPMed 0.00001.
gnomAD v4.1: 3 of 1,612,268 alleles (0.00019%); highest among the groups gnomAD compares: East Asian, 0.0022%; no homozygotes.

Submission:

Labcorp Genetics (formerly Invitae), Labcorp
Classification: Uncertain significance for Pyogenic arthritis-pyoderma gangrenosum-acne syndrome. Last evaluated: 2024-11-19. Review status: criteria provided, single submitter. Criteria: Invitae Variant Classification Sherloc (09022015). Collection method: clinical testing. Allele origin: germline.
Comment: This sequence change replaces valine, which is neutral and non-polar, with alanine, which is neutral and non-polar, at codon 399 of the PSTPIP1 protein (p.Val399Ala). This variant is present in population databases (no rsID available, gnomAD 0.006%). This variant has not been reported in the literature in individuals affected with PSTPIP1-related conditions. ClinVar contains an entry for this variant (Variation ID: 838931). Invitae Evidence Modeling of protein sequence and biophysical properties (such as structural, functional, and spatial information, amino acid conservation, physicochemical variation, residue mobility, and thermodynamic stability) indicates that this missense variant is not expected to disrupt PSTPIP1 protein function with a negative predictive value of 80%. In summary, the available evidence is currently insufficient to determine the role of this variant in disease. Therefore, it has been classified as a Variant of Uncertain Significance.

NM_003978.5(PSTPIP1):c.1196T>C (p.Val399Ala)

Gene: PSTPIP1 (proline-serine-threonine phosphatase interacting protein 1; plus strand). Cytogenetic location: 15q24.3.
Variant type: single nucleotide variant.
Coding change: c.1196T>C on transcript NM_003978.5 (MANE Select); coding-DNA position 1196, T replaced by C.
Protein change: p.Val399Ala; replaces valine 399 with alanine.
Molecular consequence: missense variant. On other transcripts: non-coding transcript variant (1).
Genome position (GRCh38, 1-based): chr15:77,037,121, T>C. VCF-style: chr15-77037121-T-C. GRCh37 (hg19) VCF-style: chr15-77329462-T-C.
Other names: c.1139T>C, p.Val380Ala (NM_001321135.2); c.1169T>C, p.Val390Ala (NM_001321136.2); c.1391T>C, p.Val464Ala (NM_001321137.1); short protein forms V380A, V399A, V390A, V464A.
Identifiers: ClinVar variation 838931 (VCV000838931.9), dbSNP rs1193580867, ClinGen allele CA393522083.
Genomic context (GRCh38, chr15:77,037,121, plus strand): 5'-ACCTGTCCGCGGGAGACATCCTGGAGGTGATCCTGGAAGGGGAGGATGGCTGGTGGACTG[T>C]GGAGAGGAACGGGCAGCGTGGCTTCGTCCCTGGTTCCTACCTGGAGAAGCTTTGAGGAAG-3'
Protein context (NP_003969.2, residues 389-409): ILEGEDGWWT[Val399Ala]ERNGQRGFVP